The following is an entry in ClinVar:

NM_206937.2(LIG4):c.2486T>C (p.Leu829Pro)

Gene: LIG4 (DNA ligase 4; minus strand). Cytogenetic location: 13q33.3.
Variant type: single nucleotide variant.
Coding change: c.2486T>C on transcript NM_206937.2 (MANE Select); coding-DNA position 2486, T replaced by C.
Protein change: p.Leu829Pro; replaces leucine 829 with proline.
Molecular consequence: missense variant.
Genome position (GRCh38, 1-based): chr13:108,208,783, A>G on the plus strand (T>C on the coding strand, the complement: LIG4 is on the minus strand). VCF-style: chr13-108208783-A-G. GRCh37 (hg19) VCF-style: chr13-108861131-A-G.
Other names: c.2486T>C, p.Leu829Pro (NM_002312.3, NM_001098268.2, NM_001352598.2 and 6 more transcripts); c.2285T>C, p.Leu762Pro (NM_001330595.2); c.2522T>C, p.Leu841Pro (NM_001352604.2); short protein forms L762P, L829P, L841P.
Identifiers: ClinVar variation 942881 (VCV000942881.8), dbSNP rs146597721, ClinGen allele CA7043482.

ClinVar aggregate classification (germline): Uncertain significance. Review status: criteria provided, multiple submitters, no conflicts (2 of 4 stars). 2 submissions from 2 submitters: Uncertain significance (2). Last evaluated 2023-03-20.

Conditions:
DNA ligase IV deficiency. Identifiers: Orphanet 99812, MedGen C1847827, MONDO:0011686, OMIM 606593.
Inborn genetic diseases. Identifiers: MedGen C0950123, MeSH D030342.

Allele frequency attached by ClinVar (database versions not stated): TOPMed 0.00003.
gnomAD v4.1: 17 of 1,614,028 alleles (0.0011%); highest among the groups gnomAD compares: Admixed American, 0.0033%; no homozygotes.

Submissions (2):

Ambry Genetics
Classification: Uncertain significance for Inborn genetic diseases. Last evaluated: 2023-03-20. Review status: criteria provided, single submitter. Criteria: Ambry Variant Classification Scheme 2023. Collection method: clinical testing. Allele origin: germline.

Labcorp Genetics (formerly Invitae), Labcorp
Classification: Uncertain significance for DNA ligase IV deficiency. Last evaluated: 2022-06-28. Review status: criteria provided, single submitter. Criteria: Invitae Variant Classification Sherloc (09022015). Collection method: clinical testing. Allele origin: germline.
Comment: This sequence change replaces leucine, which is neutral and non-polar, with proline, which is neutral and non-polar, at codon 829 of the LIG4 protein (p.Leu829Pro). This variant is present in population databases (rs146597721, gnomAD 0.003%). This variant has not been reported in the literature in individuals affected with LIG4-related conditions. ClinVar contains an entry for this variant (Variation ID: 942881). Algorithms developed to predict the effect of missense changes on protein structure and function output the following: SIFT: "Tolerated"; PolyPhen-2: "Benign"; Align-GVGD: "Class C0". The proline amino acid residue is found in multiple mammalian species, which suggests that this missense change does not adversely affect protein function. In summary, the available evidence is currently insufficient to determine the role of this variant in disease. Therefore, it has been classified as a Variant of Uncertain Significance.